The following is an entry in ClinVar:

ClinVar aggregate classification (germline): Uncertain significance. Review status: criteria provided, multiple submitters, no conflicts (2 of 4 stars). 2 submissions from 2 submitters: Uncertain significance (2). Last evaluated 2026-01-05.

Conditions:
Inborn genetic diseases. Identifiers: MedGen C0950123, MeSH D030342.

Allele frequency attached by ClinVar (database versions not stated): gnomAD exomes 0.00003 and 0.00008; TOPMed 0.00003; ExAC 0.00004; gnomAD 0.00004 and 0.00005; ESP Exome Variant Server 0.00015.
gnomAD v4.1: 119 of 1,494,772 alleles (0.008%); highest among the groups gnomAD compares: Non-Finnish European, 0.01%; no homozygotes.

Submissions (3):

Labcorp Genetics (formerly Invitae), Labcorp
Classification: Uncertain significance. Last evaluated: 2026-01-05. Review status: criteria provided, single submitter. Criteria: Invitae Variant Classification Sherloc (09022015). Collection method: clinical testing. Allele origin: germline.
Comment: This sequence change replaces lysine, which is basic and polar, with arginine, which is basic and polar, at codon 197 of the GTF2E2 protein (p.Lys197Arg). This variant is present in population databases (rs146320824, gnomAD 0.007%). This variant has not been reported in the literature in individuals affected with GTF2E2-related conditions. ClinVar contains an entry for this variant (Variation ID: 1412449). Invitae Evidence Modeling of protein sequence and biophysical properties (such as structural, functional, and spatial information, amino acid conservation, physicochemical variation, residue mobility, and thermodynamic stability) has been performed for this missense variant. However, the output from this modeling did not meet the statistical confidence thresholds required to predict the impact of this variant on GTF2E2 protein function. In summary, the available evidence is currently insufficient to determine the role of this variant in disease. Therefore, it has been classified as a Variant of Uncertain Significance.

Ambry Genetics
Classification: Uncertain significance for Inborn genetic diseases. Last evaluated: 2023-02-14. Review status: criteria provided, single submitter. Criteria: Ambry Variant Classification Scheme 2023. Collection method: clinical testing. Allele origin: germline.

Dr. Peter K. Rogan Lab, Western University
No classification provided (evidence only). Condition: Uterine carcinosarcoma. Review status: no classification provided. Collection method: in vitro. Allele origin: not applicable. Functional consequence: retained intron. Not counted in ClinVar's aggregate classification.

NM_002095.6(GTF2E2):c.590A>G (p.Lys197Arg)

Gene: GTF2E2 (general transcription factor IIE subunit 2; minus strand). Cytogenetic location: 8p12.
Variant type: single nucleotide variant.
Coding change: c.590A>G on transcript NM_002095.6 (MANE Select); coding-DNA position 590, A replaced by G.
Protein change: p.Lys197Arg; replaces lysine 197 with arginine.
Molecular consequence: missense variant.
Genome position (GRCh38, 1-based): chr8:30,607,110, T>C on the plus strand (A>G on the coding strand, the complement: GTF2E2 is on the minus strand). VCF-style: chr8-30607110-T-C. GRCh37 (hg19) VCF-style: chr8-30464627-T-C.
Other names: c.590A>G, p.Lys197Arg (NM_001348353.1); c.590A>G (NM_002095.4); short protein forms K197R.
Identifiers: ClinVar variation 1412449 (VCV001412449.9), dbSNP rs146320824, ClinGen allele CA4700917.